The following is an entry in ClinVar:

NM_000053.4(ATP7B):c.1677C>T (p.Tyr559=)

Gene: ATP7B (ATPase copper transporting beta; minus strand). Cytogenetic location: 13q14.3.
Variant type: single nucleotide variant.
Coding change: c.1677C>T on transcript NM_000053.4 (MANE Select); coding-DNA position 1677, C replaced by T.
Protein change: p.Tyr559=; no amino-acid change (tyrosine 559 retained).
Molecular consequence: synonymous variant.
Genome position (GRCh38, 1-based): chr13:51,968,474, G>A on the plus strand (C>T on the coding strand, the complement: ATP7B is on the minus strand). VCF-style: chr13-51968474-G-A. GRCh37 (hg19) VCF-style: chr13-52542610-G-A.
Other names: c.1677C>T, p.Tyr559= (NM_001005918.3, NM_001330578.2, NM_001330579.2); c.1344C>T, p.Tyr448= (NM_001243182.2).
Identifiers: ClinVar variation 1128559 (VCV001128559.13), dbSNP rs142187604, ClinGen allele CA6989280.

ClinVar aggregate classification (germline): Conflicting classifications of pathogenicity. Review status: criteria provided, conflicting classifications (1 of 4 stars). 4 submissions from 4 submitters: Uncertain significance (2); Likely benign (2). Last evaluated 2025-12-16.

Conditions:
Wilson disease (WND). Also called: Wilson's disease. Identifiers: Orphanet 905, MedGen C0019202, MONDO:0010200, OMIM 277900. Disease mechanism: loss of function.

Allele frequency attached by ClinVar (database versions not stated): gnomAD 0.00001; gnomAD exomes 0.00001 and 0.00002; TOPMed 0.00001; ExAC 0.00002; ESP Exome Variant Server 0.00008; 1000 Genomes Project 30x 0.00016; 1000 Genomes Project 0.00020.
gnomAD v4.1: 22 of 1,614,164 alleles (0.0014%); highest among the groups gnomAD compares: Middle Eastern, 0.016%; no homozygotes.

Submissions (4):

Labcorp Genetics (formerly Invitae), Labcorp
Classification: Likely benign for Wilson disease. Last evaluated: 2025-12-16. Review status: criteria provided, single submitter. Criteria: Invitae Variant Classification Sherloc (09022015). Collection method: clinical testing. Allele origin: germline.

All of Us Research Program, National Institutes of Health
Classification: Uncertain significance for Wilson disease. Last evaluated: 2023-12-13. Review status: criteria provided, single submitter. Criteria: ACMG Guidelines, 2015. Collection method: clinical testing. Allele origin: germline. Inheritance: Autosomal recessive inheritance. Observed: 6 variant alleles, 6 heterozygotes.
Comment: This synonymous variant in the ATP7B gene is not predicted to affect RNA splicing by multiple splice prediction tools. One mini-gene assay has shown that this variant result in out-of-frame exon 4 skipping in ~17% of the transcripts (PMID: 33719328). Clinical relevance of this observation is not clear. This variant has not been reported in individuals affected with ATP7B-related disorders in the literature. This variant has been identified in 4/249534 chromosomes in the general population by the Genome Aggregation Database (gnomAD). The available evidence is insufficient to determine the role of this variant in disease conclusively. Therefore, this variant is classified as a Variant of Uncertain Significance.

This study involves interpretation of variants in research participants for the purpose of population health screening. Participant phenotype was not available at the time of variant classification. Additional details can be found in publication PMID: 35346344, PMCID: PMC8962531

Color Diagnostics, LLC DBA Color Health
Classification: Uncertain significance for Wilson disease. Last evaluated: 2023-02-16. Review status: criteria provided, single submitter. Criteria: ACMG Guidelines, 2015. Collection method: clinical testing. Allele origin: germline.
Comment: This synonymous variant in the ATP7B gene is not predicted to affect RNA splicing by multiple splice prediction tools. One mini-gene assay has shown that this variant result in out-of-frame exon 4 skipping in ~17% of the transcripts (PMID: 33719328). Clinical relevance of this observation is not clear. This variant has not been reported in individuals affected with ATP7B-related disorders in the literature. This variant has been identified in 4/249534 chromosomes in the general population by the Genome Aggregation Database (gnomAD). The available evidence is insufficient to determine the role of this variant in disease conclusively. Therefore, this variant is classified as a Variant of Uncertain Significance.

GeneDx
Classification: Likely benign. Last evaluated: 2021-03-23. Review status: criteria provided, single submitter. Criteria: GeneDx Variant Classification Process June 2021. Collection method: clinical testing. Allele origin: germline. Affected: yes.
Comment: This variant is associated with the following publications: (PMID: 33719328)

Literature cited by the submitters: PubMed 33719328 (cited by All of Us Research Program, National Institutes of Health and Color Diagnostics, LLC DBA Color Health).